The following is an entry in ClinVar:

NM_005956.4(MTHFD1):c.1205A>C (p.Tyr402Ser)

Gene: MTHFD1 (methylenetetrahydrofolate dehydrogenase, cyclohydrolase and formyltetrahydrofolate synthetase 1; plus strand). Cytogenetic location: 14q23.3.
Variant type: single nucleotide variant.
Coding change: c.1205A>C on transcript NM_005956.4 (MANE Select); coding-DNA position 1205, A replaced by C.
Protein change: p.Tyr402Ser; replaces tyrosine 402 with serine.
Molecular consequence: missense variant.
Genome position (GRCh38, 1-based): chr14:64,427,414, A>C. VCF-style: chr14-64427414-A-C. GRCh37 (hg19) VCF-style: chr14-64894132-A-C.
Other names: c.1205A>C, p.Tyr402Ser (NM_001364837.1); short protein forms Y402S.
Identifiers: ClinVar variation 1427049 (VCV001427049.6), dbSNP rs201329901, ClinGen allele CA7226160.

ClinVar aggregate classification (germline): Uncertain significance (1 of 4 stars; one submission).

Allele frequency attached by ClinVar (database versions not stated): TOPMed 0.00005; gnomAD exomes 0.00007 and 0.00008; gnomAD 0.00011 and 0.00012; ExAC 0.00012; ESP Exome Variant Server 0.00015.
gnomAD v4.1: 120 of 1,614,052 alleles (0.0074%); highest among the groups gnomAD compares: Non-Finnish European, 0.0091%; no homozygotes.

Submission:

Labcorp Genetics (formerly Invitae), Labcorp
Classification: Uncertain significance. Last evaluated: 2024-10-07. Review status: criteria provided, single submitter. Criteria: Invitae Variant Classification Sherloc (09022015). Collection method: clinical testing. Allele origin: germline.
Comment: This sequence change replaces tyrosine, which is neutral and polar, with serine, which is neutral and polar, at codon 402 of the MTHFD1 protein (p.Tyr402Ser). This variant is present in population databases (rs201329901, gnomAD 0.02%). This variant has not been reported in the literature in individuals affected with MTHFD1-related conditions. ClinVar contains an entry for this variant (Variation ID: 1427049). Invitae Evidence Modeling of protein sequence and biophysical properties (such as structural, functional, and spatial information, amino acid conservation, physicochemical variation, residue mobility, and thermodynamic stability) indicates that this missense variant is not expected to disrupt MTHFD1 protein function with a negative predictive value of 80%. In summary, the available evidence is currently insufficient to determine the role of this variant in disease. Therefore, it has been classified as a Variant of Uncertain Significance.